The following is an entry in ClinVar:

ClinVar aggregate classification (germline): Uncertain significance. Review status: criteria provided, multiple submitters, no conflicts (2 of 4 stars). 2 submissions from 2 submitters: Uncertain significance (2). Last evaluated 2025-09-23.

Conditions:
EGFR-related lung cancer (EGFR). Identifiers: MedGen CN130014.
Hereditary cancer-predisposing syndrome. Also called: Tumor predisposition; Hereditary Cancer Syndrome; Hereditary neoplastic syndrome; Neoplastic Syndromes, Hereditary. Identifiers: Orphanet 140162, MedGen C0027672, MeSH D009386, MONDO:0015356.

Submissions (2):

Ambry Genetics
Classification: Uncertain significance for Hereditary cancer-predisposing syndrome. Last evaluated: 2025-09-23. Review status: criteria provided, single submitter. Criteria: Ambry Variant Classification Scheme 2023. Collection method: clinical testing. Allele origin: germline.
Comment: The c.34_54del21 variant (also known as p.L12_L18del) is located in coding exon 1 of the EGFR gene. This variant results from an in-frame deletion of 21 nucleotides at positions 34 to 54. This results in the in-frame deletion of 7 amino acids at codons 12 to 18. This amino acid region is generally well conserved in available vertebrate species. In addition, the in silico prediction for this variant is inconclusive (Choi Y et al. PLoS ONE. 2012; 7(10):e46688). Based on the available evidence, the clinical significance of this variant remains unclear.

Labcorp Genetics (formerly Invitae), Labcorp
Classification: Uncertain significance for EGFR-related lung cancer. Last evaluated: 2024-03-12. Review status: criteria provided, single submitter. Criteria: Invitae Variant Classification Sherloc (09022015). Collection method: clinical testing. Allele origin: germline.
Comment: This variant, c.34_54del, results in the deletion of 7 amino acid(s) of the EGFR protein (p.Leu12_Leu18del), but otherwise preserves the integrity of the reading frame. This variant is not present in population databases (gnomAD no frequency). This variant has not been reported in the literature in individuals affected with EGFR-related conditions. ClinVar contains an entry for this variant (Variation ID: 1471503). Experimental studies and prediction algorithms are not available or were not evaluated, and the functional significance of this variant is currently unknown. In summary, the available evidence is currently insufficient to determine the role of this variant in disease. Therefore, it has been classified as a Variant of Uncertain Significance.

NM_005228.5(EGFR):c.34_54del (p.Leu12_Leu18del)

Gene: EGFR (epidermal growth factor receptor; plus strand). Cytogenetic location: 7p11.2.
Variant type: Deletion.
Coding change: c.34_54del on transcript NM_005228.5 (MANE Select); coding-DNA positions 34 to 54, 21 bases deleted (CTGGCGCTGCTGGCTGCGCTC).
Protein change: p.Leu12_Leu18del.
Molecular consequence: inframe deletion.
Genome position (GRCh38, 1-based): chr7:55,019,311-55,019,331, CTGGCGCTGCTGGCTGCGCTC deleted; deleting any 21 consecutive bases within chr7:55,019,305-55,019,331 gives the same sequence; the c. name uses the placement nearest the transcript's 3' end. VCF-style (leftmost placement, unchanged base first): chr7-55019304-AGCGCTCCTGGCGCTGCTGGCT-A. GRCh37 (hg19) VCF-style: chr7-55086997-AGCGCTCCTGGCGCTGCTGGCT-A.
Other names: c.34_54del21 (NM_005228.3); c.34_54del, p.Leu12_Leu18del (NM_001346897.2, NM_001346898.2, NM_001346899.2 and 4 more transcripts).
Identifiers: ClinVar variation 1471503 (VCV001471503.7), dbSNP rs2128853380, ClinGen allele CA2573142193.